The following is an entry in ClinVar:

ClinVar aggregate classification (germline): Uncertain significance (1 of 4 stars; one submission).

Conditions:
Hereditary breast ovarian cancer syndrome. Also called: Breast and ovarian cancer; Hereditary breast and ovarian cancer syndrome; BRCA1- and BRCA2-Associated Hereditary Breast and Ovarian Cancer; Hereditary breast and ovarian cancer syndrome (HBOC); Hereditary breast and/or ovarian cancer syndrome; Hereditary breast and ovarian cancer. Identifiers: Orphanet 145, MedGen C0677776, MeSH D061325, MONDO:0003582. Disease mechanism: loss of function.

Submission:

Labcorp Genetics (formerly Invitae), Labcorp
Classification: Uncertain significance for Hereditary breast ovarian cancer syndrome. Last evaluated: 2022-05-24. Review status: criteria provided, single submitter. Criteria: Invitae Variant Classification Sherloc (09022015). Collection method: clinical testing. Allele origin: germline.
Comment: This sequence change replaces serine, which is neutral and polar, with proline, which is neutral and non-polar, at codon 37 of the BRCA2 protein (p.Ser37Pro). This variant is not present in population databases (gnomAD no frequency). This variant has not been reported in the literature in individuals affected with BRCA2-related conditions. Advanced modeling of protein sequence and biophysical properties (such as structural, functional, and spatial information, amino acid conservation, physicochemical variation, residue mobility, and thermodynamic stability) performed at Invitae indicates that this missense variant is not expected to disrupt BRCA2 protein function. In summary, the available evidence is currently insufficient to determine the role of this variant in disease. Therefore, it has been classified as a Variant of Uncertain Significance.

NM_000059.4(BRCA2):c.109T>C (p.Ser37Pro)

Gene: BRCA2 (BRCA2 DNA repair associated; plus strand). Cytogenetic location: 13q13.1.
Variant type: single nucleotide variant.
Coding change: c.109T>C on transcript NM_000059.4 (MANE Select); coding-DNA position 109, T replaced by C.
Protein change: p.Ser37Pro; replaces serine 37 with proline.
Molecular consequence: missense variant.
Genome position (GRCh38, 1-based): chr13:32,319,118, T>C. VCF-style: chr13-32319118-T-C. GRCh37 (hg19) VCF-style: chr13-32893255-T-C.
Other names: c.109T>C, p.Ser37Pro (NM_001406719.1, NM_001406720.1, NM_001406721.1); c.-261T>C (NM_001406722.1); short protein forms S37P.
Identifiers: ClinVar variation 1998141 (VCV001998141.4), dbSNP rs876661275, ClinGen allele CA387754180.
Genomic context (GRCh38, chr13:32,319,118, plus strand): 5'-GGATTTTTTTTTTAAATAGATTTAGGACCAATAAGTCTTAATTGGTTTGAAGAACTTTCT[T>C]CAGAAGCTCCACCCTATAATTCTGAACCTGCAGAAGAATCTGAACATAAAAACAACAATT-3'
Protein context (NP_000050.3, residues 27-47): ISLNWFEELS[Ser37Pro]EAPPYNSEPA